The following is an entry in ClinVar:

NM_004423.4(DVL3):c.601T>A (p.Phe201Ile)

Gene: DVL3 (dishevelled segment polarity protein 3; plus strand). Cytogenetic location: 3q27.1.
Variant type: single nucleotide variant.
Coding change: c.601T>A on transcript NM_004423.4 (MANE Select); coding-DNA position 601, T replaced by A.
Protein change: p.Phe201Ile; replaces phenylalanine 201 with isoleucine.
Molecular consequence: missense variant.
Genome position (GRCh38, 1-based): chr3:184,165,114, T>A. VCF-style: chr3-184165114-T-A. GRCh37 (hg19) VCF-style: chr3-183882902-T-A.
Other names: short protein forms F201I.
Identifiers: ClinVar variation 2058635 (VCV002058635.4), dbSNP rs2473698709, ClinGen allele CA355406994.
Genomic context (GRCh38, chr3:184,165,114, plus strand): 5'-CTCCCCTCATGGGGGCAGGGCTGGGCCAGCCTGGTGGGGAACGACTGTGGGCCCCACAGG[T>A]TCAGCAGCTCCACAGAACAGAGCAGTGCCTCACGCCTGATGAGAAGACACAAGCGGCGGC-3'
Protein context (NP_004414.3, residues 191-211): DSDEDDSTSR[Phe201Ile]SSSTEQSSAS

ClinVar aggregate classification (germline): Uncertain significance (1 of 4 stars; one submission).

Submission:

Labcorp Genetics (formerly Invitae), Labcorp
Classification: Uncertain significance. Last evaluated: 2023-11-27. Review status: criteria provided, single submitter. Criteria: Invitae Variant Classification Sherloc (09022015). Collection method: clinical testing. Allele origin: germline.
Comment: This sequence change replaces phenylalanine, which is neutral and non-polar, with isoleucine, which is neutral and non-polar, at codon 201 of the DVL3 protein (p.Phe201Ile). This variant is not present in population databases (gnomAD no frequency). This variant has not been reported in the literature in individuals affected with DVL3-related conditions. ClinVar contains an entry for this variant (Variation ID: 2058635). An algorithm developed to predict the effect of missense changes on protein structure and function (PolyPhen-2) suggests that this variant is likely to be tolerated. Algorithms developed to predict the effect of sequence changes on RNA splicing suggest that this variant may disrupt the consensus splice site. In summary, the available evidence is currently insufficient to determine the role of this variant in disease. Therefore, it has been classified as a Variant of Uncertain Significance.